The following is an entry in ClinVar:

NM_001256627.2(BRSK2):c.978-1G>C

Gene: BRSK2 (BR serine/threonine kinase 2; plus strand). Cytogenetic location: 11p15.5.
Variant type: single nucleotide variant.
Coding change: c.978-1G>C on transcript NM_001256627.2 (MANE Select); the canonical splice acceptor site of the intron before coding-DNA position 978, G replaced by C.
Molecular consequence: splice acceptor variant.
Genome position (GRCh38, 1-based): chr11:1,445,570, G>C. VCF-style: chr11-1445570-G-C. GRCh37 (hg19) VCF-style: chr11-1466800-G-C.
Other names: c.978-1G>C (NM_001256629.2, NM_003957.4); c.798-1G>C (NM_001282218.2); c.1116-1G>C (NM_001256630.1).
Identifiers: ClinVar variation 2285811 (VCV002285811.2), dbSNP rs2539547016, ClinGen allele CA379060990.

ClinVar aggregate classification (germline): Pathogenic (1 of 4 stars; one submission).

Conditions:
Inborn genetic diseases. Identifiers: MedGen C0950123, MeSH D030342.

Submission:

Ambry Genetics
Classification: Pathogenic for Inborn genetic diseases. Last evaluated: 2022-05-31. Review status: criteria provided, single submitter. Criteria: Ambry Variant Classification Scheme 2023. Collection method: clinical testing. Allele origin: germline.
Comment: The c.978-1G>C intronic variant results from a G to C substitution one nucleotide before coding exon 11 of the BRSK2 gene. Alterations that disrupt the canonical splice site are expected to cause aberrant splicing, resulting in an abnormal protein or a transcript that is subject to nonsense-mediated mRNA decay. This variant was not reported in population-based cohorts in the Genome Aggregation Database (gnomAD). This nucleotide position is highly conserved in available vertebrate species. In silico splice site analysis predicts that this alteration will weaken the native splice acceptor site. Based on the available evidence, this alteration is classified as pathogenic.